The following is an entry in ClinVar:

ClinVar aggregate classification (germline): Uncertain significance. Review status: criteria provided, multiple submitters, no conflicts (2 of 4 stars). 2 submissions from 2 submitters: Uncertain significance (2). Last evaluated 2022-06-09.

Conditions:
Cardiovascular phenotype. Identifiers: MedGen CN230736.

Allele frequency attached by ClinVar (database versions not stated): gnomAD 0.00002; ExAC 0.00003; gnomAD exomes 0.00003; TOPMed 0.00003.
gnomAD v4.1: 50 of 1,612,590 alleles (0.0031%); highest among the groups gnomAD compares: Middle Eastern, 0.019%; no homozygotes.

Submissions (2):

Ambry Genetics
Classification: Uncertain significance for Cardiovascular phenotype. Last evaluated: 2022-06-09. Review status: criteria provided, single submitter. Criteria: Ambry Variant Classification Scheme 2023. Collection method: clinical testing. Allele origin: germline.
Comment: The p.V3196M variant (also known as c.9586G>A), located in coding exon 27 of the TNXB gene, results from a G to A substitution at nucleotide position 9586. The valine at codon 3196 is replaced by methionine, an amino acid with highly similar properties. This amino acid position is conserved. In addition, this alteration is predicted to be tolerated by in silico analysis. Since supporting evidence is limited at this time, the clinical significance of this alteration remains unclear.

Breakthrough Genomics
Classification: Uncertain significance. Review status: criteria provided, single submitter. Criteria: ACMG Guidelines, 2015. Collection method: not provided. Allele origin: germline. Inheritance: Autosomal recessive inheritance. Affected: yes.

NM_001365276.2(TNXB):c.9592G>A (p.Val3198Met)

Gene: TNXB (tenascin XB; minus strand). Cytogenetic location: 6p21.33.
Variant type: single nucleotide variant.
Coding change: c.9592G>A on transcript NM_001365276.2 (MANE Select); coding-DNA position 9592, G replaced by A.
Protein change: p.Val3198Met; replaces valine 3198 with methionine.
Molecular consequence: missense variant.
Genome position (GRCh38, 1-based): chr6:32,049,435, C>T on the plus strand (G>A on the coding strand, the complement: TNXB is on the minus strand). VCF-style: chr6-32049435-C-T. GRCh37 (hg19) VCF-style: chr6-32017212-C-T.
Other names: c.9586G>A, p.Val3196Met (NM_019105.8); short protein forms V3196M, V3198M.
Identifiers: ClinVar variation 1767460 (VCV001767460.3), dbSNP rs758444812, ClinGen allele CA3733470.